The following is an entry in ClinVar:

NM_004320.6(ATP2A1):c.150G>A (p.Trp50Ter)

Genes: ATP2A1-AS1 (ATP2A1 antisense RNA 1; minus strand), ATP2A1 (ATPase sarcoplasmic/endoplasmic reticulum Ca2+ transporting 1; plus strand). Cytogenetic location: 16p11.2.
Variant type: single nucleotide variant.
Coding change: c.150G>A on transcript NM_004320.6 (MANE Select); coding-DNA position 150, G replaced by A.
Protein change: p.Trp50Ter; replaces tryptophan 50 with a stop codon.
Molecular consequence: nonsense. On other transcripts: non-coding transcript variant (2).
Genome position (GRCh38, 1-based): chr16:28,879,514, G>A. VCF-style: chr16-28879514-G-A. GRCh37 (hg19) VCF-style: chr16-28890835-G-A.
Other names: c.150G>A, p.Trp50Ter (NM_173201.5); short protein forms W50*.
Identifiers: ClinVar variation 1323806 (VCV001323806.7), dbSNP rs756940046, ClinGen allele CA7986553.

ClinVar aggregate classification (germline): Pathogenic. Review status: criteria provided, multiple submitters, no conflicts (2 of 4 stars). 2 submissions from 2 submitters: Pathogenic (2). Last evaluated 2023-09-17.

Conditions:
Brody myopathy. Also called: BRODY DISEASE. Identifiers: Orphanet 53347, MedGen C1832918, MONDO:0010977, OMIM 601003.

Allele frequency attached by ClinVar (database versions not stated): gnomAD 0.00001; gnomAD exomes 0.00001; TOPMed 0.00001; ExAC 0.00002.

Submissions (2):

Labcorp Genetics (formerly Invitae), Labcorp
Classification: Pathogenic for Brody myopathy. Last evaluated: 2023-09-17. Review status: criteria provided, single submitter. Criteria: Invitae Variant Classification Sherloc (09022015). Collection method: clinical testing. Allele origin: germline.
Comment: For these reasons, this variant has been classified as Pathogenic. This sequence change creates a premature translational stop signal (p.Trp50*) in the ATP2A1 gene. It is expected to result in an absent or disrupted protein product. Loss-of-function variants in ATP2A1 are known to be pathogenic (PMID: 8841193, 10914677, 23911890). This variant is present in population databases (rs756940046, gnomAD 0.002%). This variant has not been reported in the literature in individuals affected with ATP2A1-related conditions. ClinVar contains an entry for this variant (Variation ID: 1323806).

Revvity Omics, Revvity
Classification: Pathogenic for Brody myopathy. Last evaluated: 2020-04-04. Review status: criteria provided, single submitter. Criteria: ACMG Guidelines, 2015. Collection method: clinical testing. Allele origin: germline.

Literature cited by the submitters: PubMed 8841193 (cited by Labcorp Genetics (formerly Invitae), Labcorp); PubMed 10914677 (cited by Labcorp Genetics (formerly Invitae), Labcorp); PubMed 23911890 (cited by Labcorp Genetics (formerly Invitae), Labcorp).